The following is an entry in ClinVar:

NM_000455.5(STK11):c.567C>T (p.Thr189=)

Gene: STK11 (serine/threonine kinase 11; plus strand). Cytogenetic location: 19p13.3.
Variant type: single nucleotide variant.
Coding change: c.567C>T on transcript NM_000455.5 (MANE Select); coding-DNA position 567, C replaced by T.
Protein change: p.Thr189=; no amino-acid change (threonine 189 retained).
Molecular consequence: synonymous variant.
Genome position (GRCh38, 1-based): chr19:1,220,475, C>T. VCF-style: chr19-1220475-C-T. GRCh37 (hg19) VCF-style: chr19-1220474-C-T.
Other names: c.567C>T (NM_000455.4).
Identifiers: ClinVar variation 1092964 (VCV001092964.11), dbSNP rs2145424574, ClinGen allele CA504892340.

ClinVar aggregate classification (germline): Benign/Likely benign. Review status: criteria provided, multiple submitters, no conflicts (2 of 4 stars). 3 submissions from 3 submitters: Benign (1); Likely benign (2). Last evaluated 2025-03-26.

Conditions:
Hereditary cancer-predisposing syndrome. Also called: Tumor predisposition; Neoplastic Syndromes, Hereditary; Hereditary Cancer Syndrome; Hereditary neoplastic syndrome. Identifiers: Orphanet 140162, MedGen C0027672, MeSH D009386, MONDO:0015356.
Peutz-Jeghers syndrome (PJS). Also called: POLYPOSIS, HAMARTOMATOUS INTESTINAL; POLYPS-AND-SPOTS SYNDROME; Peutz-Jeghers polyposis; Periorificial lentiginosis syndrome. Identifiers: Orphanet 2869, MedGen C0031269, MeSH D010580, MONDO:0008280, OMIM 175200.

gnomAD v4.1: 1 of 1,607,108 alleles (0.000062%); no homozygotes.

Submissions (3):

Myriad Genetics, Inc.
Classification: Benign for Peutz-Jeghers syndrome. Last evaluated: 2025-03-26. Review status: criteria provided, single submitter. Criteria: Myriad Autosomal Dominant, Autosomal Recessive and X-Linked Classification Criteria (2023). Collection method: clinical testing. Allele origin: unknown.
Comment: This variant is considered benign. This variant is a silent/synonymous amino acid change and it is not expected to impact splicing.

Labcorp Genetics (formerly Invitae), Labcorp
Classification: Likely benign for Peutz-Jeghers syndrome. Last evaluated: 2024-11-11. Review status: criteria provided, single submitter. Criteria: Invitae Variant Classification Sherloc (09022015). Collection method: clinical testing. Allele origin: germline.

Ambry Genetics
Classification: Likely benign for Hereditary cancer-predisposing syndrome. Last evaluated: 2024-08-22. Review status: criteria provided, single submitter. Criteria: Ambry Variant Classification Scheme 2023. Collection method: clinical testing. Allele origin: germline.